The following is an entry in ClinVar:

NM_182493.3(MYLK3):c.2116C>G (p.Leu706Val)

Gene: MYLK3 (myosin light chain kinase 3; minus strand). Cytogenetic location: 16q11.2.
Variant type: single nucleotide variant.
Coding change: c.2116C>G on transcript NM_182493.3 (MANE Select); coding-DNA position 2116, C replaced by G.
Protein change: p.Leu706Val; replaces leucine 706 with valine.
Molecular consequence: missense variant.
Genome position (GRCh38, 1-based): chr16:46,710,788, G>C on the plus strand (C>G on the coding strand, the complement: MYLK3 is on the minus strand). VCF-style: chr16-46710788-G-C. GRCh37 (hg19) VCF-style: chr16-46744700-G-C.
Other names: c.1093C>G, p.Leu365Val (NM_001308301.1); short protein forms L706V, L365V.
Identifiers: ClinVar variation 2168379 (VCV002168379.4), dbSNP rs763181218, ClinGen allele CA8037706.
Genomic context (GRCh38, chr16:46,710,788, plus strand): 5'-TTACAATGAAATTCATGGTCTCTGCATCTGTTTCCCCTAGAAATGGGGACAAGCCACTGA[G>C]TCTATAGAAGAGAGAAAGGACCATCAGTAGGTGGAGGCCACATTTGCCAACATGCATTGG-3'
Protein context (NP_872299.2, residues 696-716): WSVGVITYML[Leu706Val]SGLSPFLGET

ClinVar aggregate classification (germline): Uncertain significance (1 of 4 stars; one submission).

Allele frequency attached by ClinVar (database versions not stated): gnomAD 0.00001; gnomAD exomes 0.00002; ExAC 0.00006.
gnomAD v4.1: 32 of 1,613,962 alleles (0.002%); highest among the groups gnomAD compares: South Asian, 0.032%; 1 homozygote.

Submission:

Labcorp Genetics (formerly Invitae), Labcorp
Classification: Uncertain significance. Last evaluated: 2025-11-21. Review status: criteria provided, single submitter. Criteria: Invitae Variant Classification Sherloc (09022015). Collection method: clinical testing. Allele origin: germline.
Comment: This sequence change replaces leucine, which is neutral and non-polar, with valine, which is neutral and non-polar, at codon 706 of the MYLK3 protein (p.Leu706Val). This variant is present in population databases (rs763181218, gnomAD 0.04%). This variant has not been reported in the literature in individuals affected with MYLK3-related conditions. ClinVar contains an entry for this variant (Variation ID: 2168379). An algorithm developed to predict the effect of missense changes on protein structure and function (PolyPhen-2) suggests that this variant is likely to be disruptive. In summary, the available evidence is currently insufficient to determine the role of this variant in disease. Therefore, it has been classified as a Variant of Uncertain Significance.